The following is an entry in ClinVar:

NM_001033046.4(CYBC1):c.143A>C (p.Lys48Thr)

Gene: CYBC1 (cytochrome b-245 chaperone 1; minus strand). Cytogenetic location: 17q25.3.
Variant type: single nucleotide variant.
Coding change: c.143A>C on transcript NM_001033046.4 (MANE Select); coding-DNA position 143, A replaced by C.
Protein change: p.Lys48Thr; replaces lysine 48 with threonine.
Molecular consequence: missense variant. On other transcripts: non-coding transcript variant (2).
Genome position (GRCh38, 1-based): chr17:82,446,681, T>G on the plus strand (A>C on the coding strand, the complement: CYBC1 is on the minus strand). VCF-style: chr17-82446681-T-G. GRCh37 (hg19) VCF-style: chr17-80404557-T-G.
Other names: c.143A>C, p.Lys48Thr (NM_001100407.3, NM_001193653.2, NM_001193654.2 and 2 more transcripts); c.101A>C, p.Lys34Thr (NM_001100408.3); short protein forms K34T, K48T.
Identifiers: ClinVar variation 2174284 (VCV002174284.4), dbSNP rs2054311636, ClinGen allele CA401609168.

ClinVar aggregate classification (germline): Uncertain significance (1 of 4 stars; one submission).

Allele frequency attached by ClinVar (database versions not stated): gnomAD exomes below 0.00001.
gnomAD v4.1: 6 of 1,614,064 alleles (0.00037%); highest among the groups gnomAD compares: Non-Finnish European, 0.00051%; no homozygotes.

Submission:

Labcorp Genetics (formerly Invitae), Labcorp
Classification: Uncertain significance. Last evaluated: 2026-01-12. Review status: criteria provided, single submitter. Criteria: Invitae Variant Classification Sherloc (09022015). Collection method: clinical testing. Allele origin: germline.
Comment: This sequence change replaces lysine, which is basic and polar, with threonine, which is neutral and polar, at codon 48 of the C17orf62 protein (p.Lys48Thr). This variant is not present in population databases (gnomAD no frequency). This variant has not been reported in the literature in individuals affected with C17orf62-related conditions. ClinVar contains an entry for this variant (Variation ID: 2174284). An algorithm developed to predict the effect of missense changes on protein structure and function (PolyPhen-2) suggests that this variant is likely to be disruptive. In summary, the available evidence is currently insufficient to determine the role of this variant in disease. Therefore, it has been classified as a Variant of Uncertain Significance.